The following is an entry in ClinVar:

ClinVar aggregate classification (germline): Uncertain significance (1 of 4 stars; one submission).

Allele frequency attached by ClinVar (database versions not stated): gnomAD 0.00001; ExAC 0.00002; gnomAD exomes 0.00002; TOPMed 0.00003; 1000 Genomes Project 30x 0.00016; 1000 Genomes Project 0.00020.

Submission:

Labcorp Genetics (formerly Invitae), Labcorp
Classification: Uncertain significance. Last evaluated: 2025-09-08. Review status: criteria provided, single submitter. Criteria: Invitae Variant Classification Sherloc (09022015). Collection method: clinical testing. Allele origin: germline.
Comment: This sequence change replaces glutamic acid, which is acidic and polar, with lysine, which is basic and polar, at codon 751 of the DUOX2 protein (p.Glu751Lys). This variant is present in population databases (rs544196647, gnomAD 0.02%). This missense change has been observed in individual(s) with congenital hypothyroidism (PMID: 33631011). ClinVar contains an entry for this variant (Variation ID: 2196579). Invitae Evidence Modeling of protein sequence and biophysical properties (such as structural, functional, and spatial information, amino acid conservation, physicochemical variation, residue mobility, and thermodynamic stability) indicates that this missense variant is not expected to disrupt DUOX2 protein function with a negative predictive value of 80%. In summary, the available evidence is currently insufficient to determine the role of this variant in disease. Therefore, it has been classified as a Variant of Uncertain Significance.

Literature cited by the submitters: PubMed 33631011.

NM_001363711.2(DUOX2):c.2251G>A (p.Glu751Lys)

Gene: DUOX2 (dual oxidase 2; minus strand). Cytogenetic location: 15q21.1.
Variant type: single nucleotide variant.
Coding change: c.2251G>A on transcript NM_001363711.2 (MANE Select); coding-DNA position 2251, G replaced by A.
Protein change: p.Glu751Lys; replaces glutamic acid 751 with lysine.
Molecular consequence: missense variant.
Genome position (GRCh38, 1-based): chr15:45,105,726, C>T on the plus strand (G>A on the coding strand, the complement: DUOX2 is on the minus strand). VCF-style: chr15-45105726-C-T. GRCh37 (hg19) VCF-style: chr15-45397924-C-T.
Other names: c.2251G>A, p.Glu751Lys (NM_014080.5); short protein forms E751K.
Identifiers: ClinVar variation 2196579 (VCV002196579.3), dbSNP rs544196647, ClinGen allele CA7538317.
Genomic context (GRCh38, chr15:45,105,726, plus strand): 5'-AGATCTCCAGGATGCGTTCCCGCTGCTGCTTTGTCACAGCCTTCCTAAATAGCTCCTTCT[C>T]GCTCATCTCAGCCACATGGAGGCCCAGAGCCCAGCGCACGCAGAAGTCCCATAGCTGCTG-3'
Protein context (NP_001350640.1, residues 741-761): ALGLHVAEMS[Glu751Lys]KELFRKAVTK